The following is an entry in ClinVar:

NM_000169.3(GLA):c.1231G>C (p.Gly411Arg)

Genes: GLA (galactosidase alpha; minus strand), RPL36A-HNRNPH2 (RPL36A-HNRNPH2 readthrough; plus strand). Cytogenetic location: Xq22.1.
Variant type: single nucleotide variant.
Coding change: c.1231G>C on transcript NM_000169.3 (MANE Select); coding-DNA position 1231, G replaced by C.
Protein change: p.Gly411Arg; replaces glycine 411 with arginine.
Molecular consequence: missense variant. On other transcripts: non-coding transcript variant (3), intron variant (2).
Genome position (GRCh38, 1-based): chrX:101,397,868, C>G on the plus strand (G>C on the coding strand, the complement: GLA is on the minus strand). VCF-style: chrX-101397868-C-G. GRCh37 (hg19) VCF-style: chrX-100652856-C-G.
Other names: c.1354G>C, p.Gly452Arg (NM_001406747.1); c.300+2411C>G (NM_001199973.2); c.177+6046C>G (NM_001199974.2); short protein forms G411R, G452R.
Identifiers: ClinVar variation 4087669 (VCV004087669.2).

ClinVar aggregate classification (germline): Likely pathogenic (1 of 4 stars; one submission).

Conditions:
Fabry disease. Also called: ALPHA-GALACTOSIDASE A DEFICIENCY; ANDERSON-FABRY DISEASE; CERAMIDE TRIHEXOSIDASE DEFICIENCY; GLA DEFICIENCY; HEREDITARY DYSTOPIC LIPIDOSIS; Angiokeratoma corporis diffusum. Identifiers: Orphanet 324, MedGen C0002986, MONDO:0010526, OMIM 301500, HP:0001071. Disease mechanism: Fabry disease is due to inactivating mutations in the X-linked GLA gene resulting in deficiency of the enzyme Alpha Galactosidase-A., loss of function.

Submission:

Genomenon, Inc
Classification: Likely pathogenic for Fabry disease. Last evaluated: 2026-09-08. Review status: criteria provided, single submitter. Criteria: Genomenon Sequence Variant Interpretation Standards - Updated. Collection method: curation. Allele origin: germline. Affected: yes.
Comment: GLA p.Gly411Arg (c.1231G>C) is a missense variant that changes the amino acid at codon 411 from Glycine to Arginine. This variant has been observed in at least one proband with clinical features consistent with Fabry disease (PMID:38002959). The variant was found to segregate with disease in at least one affected family (PMID:38002959). The presence of pathogenic/likely pathogenic missense variant(s) at the same amino acid position indicates that this residue is likely important for protein function. It is absent or not present at a significant frequency in gnomAD. In silico models predict that this variant is possibly or probably damaging. In conclusion, we classify GLA p.Gly411Arg (c.1231G>C) as a likely pathogenic variant.

Literature cited by the submitters: PubMed 38002959.